The following is an entry in ClinVar:

ClinVar aggregate classification (germline): Uncertain significance (1 of 4 stars; one submission).

Conditions:
Familial sleep-related hypermotor epilepsy. Also called: Autosomal Dominant Sleep-Related Hypermotor (Hyperkinetic) Epilepsy. Identifiers: Orphanet 98784, MedGen C3696898, MONDO:0000030.

Submission:

Labcorp Genetics (formerly Invitae), Labcorp
Classification: Uncertain significance. Last evaluated: 2024-09-27. Review status: criteria provided, single submitter. Criteria: Invitae Variant Classification Sherloc (09022015). Collection method: clinical testing. Allele origin: germline.
Comment: This sequence change replaces valine, which is neutral and non-polar, with alanine, which is neutral and non-polar, at codon 387 of the CHRNA2 protein (p.Val387Ala). This variant is not present in population databases (gnomAD no frequency). This variant has not been reported in the literature in individuals affected with CHRNA2-related conditions. Invitae Evidence Modeling of protein sequence and biophysical properties (such as structural, functional, and spatial information, amino acid conservation, physicochemical variation, residue mobility, and thermodynamic stability) indicates that this missense variant is not expected to disrupt CHRNA2 protein function with a negative predictive value of 95%. In summary, the available evidence is currently insufficient to determine the role of this variant in disease. Therefore, it has been classified as a Variant of Uncertain Significance.

NM_000742.4(CHRNA2):c.1160T>C (p.Val387Ala)

Gene: CHRNA2 (cholinergic receptor nicotinic alpha 2 subunit; minus strand). Cytogenetic location: 8p21.2.
Variant type: single nucleotide variant.
Coding change: c.1160T>C on transcript NM_000742.4 (MANE Select); coding-DNA position 1160, T replaced by C.
Protein change: p.Val387Ala; replaces valine 387 with alanine.
Molecular consequence: missense variant.
Genome position (GRCh38, 1-based): chr8:27,463,283, A>G on the plus strand (T>C on the coding strand, the complement: CHRNA2 is on the minus strand). VCF-style: chr8-27463283-A-G. GRCh37 (hg19) VCF-style: chr8-27320800-A-G.
Other names: c.1115T>C, p.Val372Ala (NM_001282455.2); c.683T>C, p.Val228Ala (NM_001347705.2, NM_001347706.2); c.566T>C, p.Val189Ala (NM_001347707.2, NM_001347708.2); short protein forms V189A, V228A, V372A, V387A.
Identifiers: ClinVar variation 3705774 (VCV003705774.2).
Genomic context (GRCh38, chr8:27,463,283, plus strand): 5'-TTGCTCTCCAGCCAGTGATAAGAGGGGCTGAGCTTCAGGCGTAGGGGGTGGCAGAGCTCC[A>G]CGGGTGGTGGGGGCCGGTTCATCAGAAGCCACCGGGGCACACAGCCCAGAAGGGCCCCCC-3'
Protein context (NP_000733.2, residues 377-397): WLLMNRPPPP[Val387Ala]ELCHPLRLKL